The following is an entry in ClinVar:

NM_024334.3(TMEM43):c.781-13G>T

Gene: TMEM43 (transmembrane protein 43; plus strand). Cytogenetic location: 3p25.1.
Variant type: single nucleotide variant.
Coding change: c.781-13G>T on transcript NM_024334.3 (MANE Select); 13 bases into the intron before coding-DNA position 781, G replaced by T.
Molecular consequence: intron variant.
Genome position (GRCh38, 1-based): chr3:14,135,794, G>T. VCF-style: chr3-14135794-G-T. GRCh37 (hg19) VCF-style: chr3-14177294-G-T.
Identifiers: ClinVar variation 384443 (VCV000384443.13), dbSNP rs202207425, ClinGen allele CA055424.

ClinVar aggregate classification (germline): Likely benign. Review status: criteria provided, multiple submitters, no conflicts (2 of 4 stars). 5 submissions from 5 submitters: Likely benign (5). Last evaluated 2025-12-19.

Conditions:
Cardiomyopathy (CMYO). Also called: Cardiomyopathies. Identifiers: Orphanet 167848, MedGen C0878544, MONDO:0004994, HP:0001638. Inheritance: Various modes of inheritance.
Arrhythmogenic right ventricular dysplasia 5. Also called: ARRHYTHMOGENIC RIGHT VENTRICULAR DYSPLASIA, FAMILIAL, 5; Arrhythmogenic Right Ventricular Dysplasia/Cardiomyopathy 5. Identifiers: MedGen C1858379, MONDO:0011459, OMIM 604400.

Allele frequency attached by ClinVar (database versions not stated): gnomAD exomes 0.00007; 1000 Genomes Project 30x 0.00031; 1000 Genomes Project 0.00040; gnomAD 0.00001 and 0.00003; TOPMed 0.00002; ExAC 0.00007.
gnomAD v4.1: 108 of 1,611,564 alleles (0.0067%); highest among the groups gnomAD compares: South Asian, 0.025%; no homozygotes.

Submissions (5):

Labcorp Genetics (formerly Invitae), Labcorp
Classification: Likely benign for Arrhythmogenic right ventricular dysplasia 5. Last evaluated: 2025-12-19. Review status: criteria provided, single submitter. Criteria: Invitae Variant Classification Sherloc (09022015). Collection method: clinical testing. Allele origin: germline.

Blueprint Genetics
Classification: Likely benign. Last evaluated: 2024-11-25. Review status: criteria provided, single submitter. Criteria: ACMG Guidelines, 2015. Collection method: clinical testing. Allele origin: germline.

All of Us Research Program, National Institutes of Health
Classification: Likely benign for Arrhythmogenic right ventricular dysplasia 5. Last evaluated: 2023-12-13. Review status: criteria provided, single submitter. Criteria: ACMG Guidelines, 2015. Collection method: clinical testing. Allele origin: germline. Inheritance: Autosomal dominant inheritance. Observed: 9 variant alleles, 9 heterozygotes.
Comment: This study involves interpretation of variants in research participants for the purpose of population health screening. Participant phenotype was not available at the time of variant classification. Additional details can be found in publication PMID: 35346344, PMCID: PMC8962531

Color Diagnostics, LLC DBA Color Health
Classification: Likely benign for Cardiomyopathy. Last evaluated: 2018-11-16. Review status: criteria provided, single submitter. Criteria: ACMG Guidelines, 2015. Collection method: clinical testing. Allele origin: germline.

GeneDx
Classification: Likely benign. Last evaluated: 2016-03-01. Review status: criteria provided, single submitter. Criteria: GeneDx Variant Classification (06012015). Collection method: clinical testing. Allele origin: germline. Affected: yes.
Comment: This variant is considered likely benign or benign based on one or more of the following criteria: it is a conservative change, it occurs at a poorly conserved position in the protein, it is predicted to be benign by multiple in silico algorithms, and/or has population frequency not consistent with disease.